The following is an entry in ClinVar:

NM_199420.4(POLQ):c.1175A>G (p.Asp392Gly)

Gene: POLQ (DNA polymerase theta; minus strand). Cytogenetic location: 3q13.33.
Variant type: single nucleotide variant.
Coding change: c.1175A>G on transcript NM_199420.4 (MANE Select); coding-DNA position 1175, A replaced by G.
Protein change: p.Asp392Gly; replaces aspartic acid 392 with glycine.
Molecular consequence: missense variant.
Genome position (GRCh38, 1-based): chr3:121,522,083, T>C on the plus strand (A>G on the coding strand, the complement: POLQ is on the minus strand). VCF-style: chr3-121522083-T-C. GRCh37 (hg19) VCF-style: chr3-121240930-T-C.
Other names: short protein forms D392G.
Identifiers: ClinVar variation 3422483 (VCV003422483.1).

ClinVar aggregate classification (germline): Uncertain significance (1 of 4 stars; one submission).

Submission:

Ambry Genetics
Classification: Uncertain significance. Last evaluated: 2024-08-04. Review status: criteria provided, single submitter. Criteria: Ambry Variant Classification Scheme 2023. Collection method: clinical testing. Allele origin: germline.
Comment: The p.D392G variant (also known as c.1175A>G), located in coding exon 8 of the POLQ gene, results from an A to G substitution at nucleotide position 1175. The aspartic acid at codon 392 is replaced by glycine, an amino acid with similar properties. This amino acid position is conserved. In addition, this alteration is predicted to be tolerated by in silico analysis. Based on the available evidence, the clinical significance of this variant remains unclear.